The following is an entry in ClinVar:

ClinVar aggregate classification (germline): Benign. Review status: criteria provided, multiple submitters, no conflicts (2 of 4 stars). 9 submissions from 9 submitters: Benign (6). 3 of the submissions do not count toward it. Last evaluated 2026-02-04.

Conditions:
Hyperaldosteronism, familial, type IV (HALD4). Also called: FH IV; ALDOSTERONISM, PRIMARY, AND HYPERTENSION. Identifiers: Orphanet 642671, MedGen C4310756, MONDO:0014875, OMIM 617027.
Idiopathic generalized epilepsy. Also called: Generalised epilepsy; EIG. Identifiers: MedGen C0270850, MONDO:0005579, OMIM 600669.
Epilepsy, childhood absence, susceptibility to, 6. Identifiers: Orphanet 64280, MedGen C2749872, MONDO:0012763, OMIM 611942.

Allele frequency attached by ClinVar (database versions not stated): gnomAD 0.29755 and 0.30928; 1000 Genomes Project 0.43990; gnomAD exomes 0.38562; 1000 Genomes Project 30x 0.42661; ESP Exome Variant Server 0.22353; TOPMed 0.31651.
gnomAD v4.1: 461,411 of 1,557,154 alleles (30%); highest among the groups gnomAD compares: East Asian, 84%; 78,216 homozygotes.

Submissions (9):

Labcorp Genetics (formerly Invitae), Labcorp
Classification: Benign for Idiopathic generalized epilepsy; Hyperaldosteronism, familial, type IV. Last evaluated: 2026-02-04. Review status: criteria provided, single submitter. Criteria: Invitae Variant Classification Sherloc (09022015). Collection method: clinical testing. Allele origin: germline.

Mayo Clinic Laboratories, Mayo Clinic
Classification: Benign. Last evaluated: 2023-06-12. Review status: criteria provided, single submitter. Criteria: ACMG Guidelines, 2015. Collection method: clinical testing. Allele origin: germline. Observed: 39 variant alleles.
Comment: BA1, BS2, BP4

Athena Diagnostics
Classification: Benign. Last evaluated: 2021-04-12. Review status: criteria provided, single submitter. Criteria: Athena Diagnostics criteria. Collection method: clinical testing. Allele origin: unknown.

GeneDx
Classification: Benign. Last evaluated: 2019-12-26. Review status: criteria provided, single submitter. Criteria: GeneDx Variant Classification Process June 2021. Collection method: clinical testing. Allele origin: germline. Affected: yes.

Eurofins Ntd Llc (ga)
Classification: Benign. Last evaluated: 2013-07-05. Review status: criteria provided, single submitter. Criteria: EGL Classification Definitions 2015. Collection method: clinical testing. Allele origin: germline. Observed: 5 variant alleles, 3 heterozygotes, 2 homozygotes.

Breakthrough Genomics
Classification: Benign. Review status: criteria provided, single submitter. Criteria: ACMG Guidelines, 2015. Collection method: not provided. Allele origin: germline. Inheritance: Autosomal dominant inheritance. Affected: yes.

Diagnostic Laboratory, Department of Genetics, University Medical Center Groningen
Classification: Benign for Epilepsy, childhood absence, susceptibility to, 6. Review status: no assertion criteria provided. Collection method: clinical testing. Allele origin: germline. Affected: yes. Study: VKGL Data-share Consensus. Not counted in ClinVar's aggregate classification.

Genome Diagnostics Laboratory, University Medical Center Utrecht
Classification: Benign. Review status: no assertion criteria provided. Collection method: clinical testing. Allele origin: germline. Affected: yes. Study: VKGL Data-share Consensus. Not counted in ClinVar's aggregate classification.

Joint Genome Diagnostic Labs from Nijmegen and Maastricht, Radboudumc and MUMC+
Classification: Benign. Review status: no assertion criteria provided. Collection method: clinical testing. Allele origin: germline. Affected: yes. Study: VKGL Data-share Consensus. Not counted in ClinVar's aggregate classification.

Literature cited by the submitters: PubMed 35559026 (cited by Mayo Clinic Laboratories, Mayo Clinic).

NM_021098.3(CACNA1H):c.1919C>T (p.Pro640Leu)

Gene: CACNA1H (calcium voltage-gated channel subunit alpha1 H; plus strand). Cytogenetic location: 16p13.3.
Variant type: single nucleotide variant.
Coding change: c.1919C>T on transcript NM_021098.3 (MANE Select); coding-DNA position 1919, C replaced by T.
Protein change: p.Pro640Leu; replaces proline 640 with leucine.
Molecular consequence: missense variant.
Genome position (GRCh38, 1-based): chr16:1,202,369, C>T. VCF-style: chr16-1202369-C-T. GRCh37 (hg19) VCF-style: chr16-1252369-C-T.
Other names: c.1919C>T, p.Pro640Leu (NM_001005407.2); short protein forms P640L.
Identifiers: ClinVar variation 96005 (VCV000096005.20), dbSNP rs61734410, ClinGen allele CA149138.